The following is an entry in ClinVar:

ClinVar aggregate classification (germline): Pathogenic (1 of 4 stars; one submission).

Submission:

Labcorp Genetics (formerly Invitae), Labcorp
Classification: Pathogenic. Last evaluated: 2022-05-12. Review status: criteria provided, single submitter. Criteria: Invitae Variant Classification Sherloc (09022015). Collection method: clinical testing. Allele origin: germline.
Comment: For these reasons, this variant has been classified as Pathogenic. This variant has not been reported in the literature in individuals affected with POLE-related conditions. This variant is not present in population databases (gnomAD no frequency). This sequence change creates a premature translational stop signal (p.Met1393Ilefs*60) in the POLE gene. It is expected to result in an absent or disrupted protein product. Loss-of-function variants in POLE are known to be pathogenic (PMID: 23230001, 25948378, 30503519).

Literature cited by the submitters: PubMed 23230001; PubMed 25948378; PubMed 30503519.

NM_006231.4(POLE):c.4179_4180delinsT (p.Met1393fs)

Gene: POLE (DNA polymerase epsilon, catalytic subunit; minus strand). Cytogenetic location: 12q24.33.
Variant type: Indel.
Coding change: c.4179_4180delinsT on transcript NM_006231.4 (MANE Select); coding-DNA positions 4179 to 4180, GG replaced by T.
Protein change: p.Met1393fs; shifts the reading frame from methionine 1393.
Molecular consequence: frameshift variant.
Genome position (GRCh38, 1-based): chr12:132,643,947-132,643,948, CC replaced by A on the plus strand (GG replaced by T on the coding strand, the reverse complement: POLE is on the minus strand). VCF-style: chr12-132643947-CC-A. GRCh37 (hg19) VCF-style: chr12-133220533-CC-A.
Other names: short protein forms M1393fs.
Identifiers: ClinVar variation 965368 (VCV000965368.5), dbSNP rs2042216996, ClinGen allele CA1139662964.